The following is an entry in ClinVar:

ClinVar aggregate classification (germline): Uncertain significance (1 of 4 stars; one submission).

Conditions:
Gamma-aminobutyric acid transaminase deficiency (GABATD). Also called: GABA aminotransaminase deficiency; GABA transaminase deficiency; Gamma aminobutyrate transaminase deficiency; 4 alpha aminobutyrate transaminase deficiency. Identifiers: Orphanet 2066, MedGen C0342708, MONDO:0013166, OMIM 613163.

Submission:

Labcorp Genetics (formerly Invitae), Labcorp
Classification: Uncertain significance for Gamma-aminobutyric acid transaminase deficiency. Last evaluated: 2020-03-06. Review status: criteria provided, single submitter. Criteria: Invitae Variant Classification Sherloc (09022015). Collection method: clinical testing. Allele origin: germline.
Comment: Algorithms developed to predict the effect of missense changes on protein structure and function do not agree on the potential impact of this missense change (SIFT: "Deleterious"; PolyPhen-2: "Possibly Damaging"; Align-GVGD: "Class C0"). In summary, the available evidence is currently insufficient to determine the role of this variant in disease. Therefore, it has been classified as a Variant of Uncertain Significance. This variant has not been reported in the literature in individuals with ABAT-related disease. This variant is not present in population databases (ExAC no frequency). This sequence change replaces valine with phenylalanine at codon 479 of the ABAT protein (p.Val479Phe). The valine residue is moderately conserved and there is a small physicochemical difference between valine and phenylalanine.

NM_020686.6(ABAT):c.1435G>T (p.Val479Phe)

Gene: ABAT (4-aminobutyrate aminotransferase; plus strand). Cytogenetic location: 16p13.2.
Variant type: single nucleotide variant.
Coding change: c.1435G>T on transcript NM_020686.6 (MANE Select); coding-DNA position 1435, G replaced by T.
Protein change: p.Val479Phe; replaces valine 479 with phenylalanine.
Molecular consequence: missense variant.
Genome position (GRCh38, 1-based): chr16:8,781,362, G>T. VCF-style: chr16-8781362-G-T. GRCh37 (hg19) VCF-style: chr16-8875219-G-T.
Other names: c.1435G>T, p.Val479Phe (NM_000663.5, NM_001127448.2, NM_001386600.1 and 4 more transcripts); c.1396G>T, p.Val466Phe (NM_001386605.1); c.1372G>T, p.Val458Phe (NM_001386606.1, NM_001386607.1); c.1342G>T, p.Val448Phe (NM_001386608.1); c.1323G>T, p.Trp441Cys (NM_001386609.1); c.1300G>T, p.Val434Phe (NM_001386610.1, NM_001386611.1); c.1237G>T, p.Val413Phe (NM_001386612.1, NM_001386613.1); c.1189G>T, p.Val397Phe (NM_001386614.1); and 2 more; short protein forms V479F, V397F, V413F, V434F, V448F, V458F, V466F, V511F.
Identifiers: ClinVar variation 529788 (VCV000529788.9), dbSNP rs1555494309, ClinGen allele CA394691574.